The following is an entry in ClinVar:

ClinVar aggregate classification (germline): Uncertain significance (1 of 4 stars; one submission).

gnomAD v4.1: 6 of 1,614,104 alleles (0.00037%); highest among the groups gnomAD compares: Middle Eastern, 0.033%; no homozygotes.

Submission:

GeneDx
Classification: Uncertain significance. Last evaluated: 2025-05-05. Review status: criteria provided, single submitter. Criteria: GeneDx Variant Classification Process June 2021. Collection method: clinical testing. Allele origin: germline. Affected: yes.
Comment: Not observed at significant frequency in large population cohorts (gnomAD); In silico analysis supports that this missense variant has a deleterious effect on protein structure/function; Has not been previously published as pathogenic or benign to our knowledge

NM_001039141.3(TRIOBP):c.493C>T (p.Pro165Ser)

Gene: TRIOBP (TRIO and F-actin binding protein; plus strand). Cytogenetic location: 22q13.1.
Variant type: single nucleotide variant.
Coding change: c.493C>T on transcript NM_001039141.3 (MANE Select); coding-DNA position 493, C replaced by T.
Protein change: p.Pro165Ser; replaces proline 165 with serine.
Molecular consequence: missense variant.
Genome position (GRCh38, 1-based): chr22:37,715,799, C>T. VCF-style: chr22-37715799-C-T. GRCh37 (hg19) VCF-style: chr22-38111806-C-T.
Other names: short protein forms P165S.
Identifiers: ClinVar variation 4527792 (VCV004527792.1).